The following is an entry in ClinVar:

NM_001005273.3(CHD3):c.1202A>G (p.Tyr401Cys)

Genes: CHD3 (chromodomain helicase DNA binding protein 3; plus strand), LOC126862484 (CDK7 strongly-dependent group 2 enhancer GRCh37_chr17:7797066-7798265; plus strand). Cytogenetic location: 17p13.1.
Variant type: single nucleotide variant.
Coding change: c.1202A>G on transcript NM_001005273.3 (MANE Select); coding-DNA position 1202, A replaced by G.
Protein change: p.Tyr401Cys; replaces tyrosine 401 with cysteine.
Molecular consequence: missense variant.
Genome position (GRCh38, 1-based): chr17:7,894,541, A>G. VCF-style: chr17-7894541-A-G. GRCh37 (hg19) VCF-style: chr17-7797859-A-G.
Other names: c.1379A>G, p.Tyr460Cys (NM_001005271.3, NM_001437504.1); c.1367A>G, p.Tyr456Cys (NM_001437507.1, NM_001437508.1, NM_001437509.1); c.1202A>G, p.Tyr401Cys (NM_005852.4); short protein forms Y401C, Y456C, Y460C.
Identifiers: ClinVar variation 4681077 (VCV004681077.1).

ClinVar aggregate classification (germline): Uncertain significance (1 of 4 stars; one submission).

gnomAD v4.1: 1 of 1,614,024 alleles (0.000062%); highest among the groups gnomAD compares: East Asian, 0.0022%; no homozygotes.

Submission:

GeneDx
Classification: Uncertain significance. Last evaluated: 2025-06-30. Review status: criteria provided, single submitter. Criteria: GeneDx Variant Classification Process June 2021. Collection method: clinical testing. Allele origin: germline. Affected: yes.
Comment: Not observed at significant frequency in large population cohorts (gnomAD); In silico analysis supports that this missense variant has a deleterious effect on protein structure/function; Has not been previously published as pathogenic or benign to our knowledge